The following is an entry in ClinVar:

NM_015100.4(POGZ):c.2240T>C (p.Val747Ala)

Gene: POGZ (pogo transposable element derived with ZNF domain; minus strand). Cytogenetic location: 1q21.3.
Variant type: single nucleotide variant.
Coding change: c.2240T>C on transcript NM_015100.4 (MANE Select); coding-DNA position 2240, T replaced by C.
Protein change: p.Val747Ala; replaces valine 747 with alanine.
Molecular consequence: missense variant.
Genome position (GRCh38, 1-based): chr1:151,408,235, A>G on the plus strand (T>C on the coding strand, the complement: POGZ is on the minus strand). VCF-style: chr1-151408235-A-G. GRCh37 (hg19) VCF-style: chr1-151380711-A-G.
Other names: c.2213T>C, p.Val738Ala (NM_001194937.2); c.2054T>C, p.Val685Ala (NM_001194938.2); c.2261T>C, p.Val754Ala (NM_001410860.1); c.1955T>C, p.Val652Ala (NM_145796.4); c.2081T>C, p.Val694Ala (NM_207171.2); short protein forms V652A, V685A, V694A, V738A, V747A, V754A.
Identifiers: ClinVar variation 1712800 (VCV001712800.3), dbSNP rs2529240133, ClinGen allele CA341955863.

ClinVar aggregate classification (germline): Uncertain significance. Review status: criteria provided, multiple submitters, no conflicts (2 of 4 stars). 2 submissions from 2 submitters: Uncertain significance (2). Last evaluated 2024-08-10.

Conditions:
Inborn genetic diseases. Identifiers: MedGen C0950123, MeSH D030342.

Submissions (2):

Ambry Genetics
Classification: Uncertain significance for Inborn genetic diseases. Last evaluated: 2024-08-10. Review status: criteria provided, single submitter. Criteria: Ambry Variant Classification Scheme 2023. Collection method: clinical testing. Allele origin: germline.

GeneDx
Classification: Uncertain significance. Last evaluated: 2022-04-25. Review status: criteria provided, single submitter. Criteria: GeneDx Variant Classification Process June 2021. Collection method: clinical testing. Allele origin: germline. Affected: yes.
Comment: Not observed at significant frequency in large population cohorts (gnomAD); In silico analysis supports that this missense variant does not alter protein structure/function; Has not been previously published as pathogenic or benign to our knowledge